The following is an entry in ClinVar:

ClinVar aggregate classification (germline): Uncertain significance. Review status: criteria provided, multiple submitters, no conflicts (2 of 4 stars). 3 submissions from 3 submitters: Uncertain significance (3). Last evaluated 2025-01-27.

Allele frequency attached by ClinVar (database versions not stated): gnomAD 0.00001; TOPMed 0.00001.
gnomAD v4.1: 1 of 1,614,102 alleles (0.000062%); highest among the groups gnomAD compares: African/African-American, 0.0013%; no homozygotes.

Submissions (3):

Labcorp Genetics (formerly Invitae), Labcorp
Classification: Uncertain significance. Last evaluated: 2025-01-27. Review status: criteria provided, single submitter. Criteria: Invitae Variant Classification Sherloc (09022015). Collection method: clinical testing. Allele origin: germline.
Comment: This sequence change replaces isoleucine, which is neutral and non-polar, with leucine, which is neutral and non-polar, at codon 317 of the PRPF3 protein (p.Ile317Leu). This variant is not present in population databases (gnomAD no frequency). This variant has not been reported in the literature in individuals affected with PRPF3-related conditions. ClinVar contains an entry for this variant (Variation ID: 1347437). Invitae Evidence Modeling of protein sequence and biophysical properties (such as structural, functional, and spatial information, amino acid conservation, physicochemical variation, residue mobility, and thermodynamic stability) indicates that this missense variant is not expected to disrupt PRPF3 protein function with a negative predictive value of 95%. In summary, the available evidence is currently insufficient to determine the role of this variant in disease. Therefore, it has been classified as a Variant of Uncertain Significance.

GeneDx
Classification: Uncertain significance. Last evaluated: 2023-12-07. Review status: criteria provided, single submitter. Criteria: GeneDx Variant Classification Process June 2021. Collection method: clinical testing. Allele origin: germline. Affected: yes.
Comment: Not observed at significant frequency in large population cohorts (gnomAD); In silico analysis supports that this missense variant does not alter protein structure/function; Has not been previously published as pathogenic or benign to our knowledge; This variant is associated with the following publications: (PMID: 27886254, 11971898)

Blueprint Genetics
Classification: Uncertain significance. Last evaluated: 2022-03-03. Review status: criteria provided, single submitter. Criteria: ACMG Guidelines, 2015. Collection method: clinical testing. Allele origin: germline.

NM_004698.4(PRPF3):c.949A>C (p.Ile317Leu)

Gene: PRPF3 (pre-mRNA processing factor 3; plus strand). Cytogenetic location: 1q21.2.
Variant type: single nucleotide variant.
Coding change: c.949A>C on transcript NM_004698.4 (MANE Select); coding-DNA position 949, A replaced by C.
Protein change: p.Ile317Leu; replaces isoleucine 317 with leucine.
Molecular consequence: missense variant. On other transcripts: non-coding transcript variant (4).
Genome position (GRCh38, 1-based): chr1:150,335,155, A>C. VCF-style: chr1-150335155-A-C. GRCh37 (hg19) VCF-style: chr1-150307626-A-C.
Other names: c.949A>C (NM_004698.2); c.544A>C, p.Ile182Leu (NM_001350529.1); short protein forms I182L, I317L.
Identifiers: ClinVar variation 1347437 (VCV001347437.8), dbSNP rs1246574143, ClinGen allele CA342294610.